The following is an entry in ClinVar:

NM_001009944.3(PKD1):c.4521G>A (p.Trp1507Ter)

Gene: PKD1 (polycystin 1, transient receptor potential channel interacting; minus strand). Cytogenetic location: 16p13.3.
Variant type: single nucleotide variant.
Coding change: c.4521G>A on transcript NM_001009944.3 (MANE Select); coding-DNA position 4521, G replaced by A.
Protein change: p.Trp1507Ter; replaces tryptophan 1507 with a stop codon.
Molecular consequence: nonsense.
Genome position (GRCh38, 1-based): chr16:2,110,646, C>T on the plus strand (G>A on the coding strand, the complement: PKD1 is on the minus strand). VCF-style: chr16-2110646-C-T. GRCh37 (hg19) VCF-style: chr16-2160647-C-T.
Other names: c.4521G>A, p.Trp1507Ter (NM_000296.4); short protein forms W1507*.
Identifiers: ClinVar variation 3235999 (VCV003235999.1), dbSNP rs2544821034, ClinGen allele CA394379791.

ClinVar aggregate classification (germline): Pathogenic (1 of 4 stars; one submission).

Conditions:
Polycystic kidney disease, adult type (PKD1). Also called: Polycystic Kidney Disease 1, Autosomal Dominant; Polycystic kidney disease 1; Polycystic kidney disease 1, severe; Polycystic Kidney, Autosomal Dominant; POLYCYSTIC KIDNEY DISEASE 1 WITH OR WITHOUT POLYCYSTIC LIVER DISEASE; POLYCYSTIC KIDNEY DISEASE, ADULT, TYPE I. Identifiers: MedGen C3149841, MONDO:0008263, OMIM 173900.

Submission:

MVZ Medizinische Genetik Mainz
Classification: Pathogenic for Polycystic kidney disease, adult type. Last evaluated: 2022-05-18. Review status: criteria provided, single submitter. Criteria: UK Practice Guidelines For Variant Classification V4 01 2020. Collection method: clinical testing. Allele origin: germline. Inheritance: Autosomal dominant inheritance. Affected: yes. Observed: 1 variant allele.
Comment: ACMG Criteria: PVS1, PS4_SUP, PM2_SUP, PP4 (ACMG Version 3)